The following is an entry in ClinVar:

NM_000059.4(BRCA2):c.4019A>C (p.Asp1340Ala)

Gene: BRCA2 (BRCA2 DNA repair associated; plus strand). Cytogenetic location: 13q13.1.
Variant type: single nucleotide variant.
Coding change: c.4019A>C on transcript NM_000059.4 (MANE Select); coding-DNA position 4019, A replaced by C.
Protein change: p.Asp1340Ala; replaces aspartic acid 1340 with alanine.
Molecular consequence: missense variant.
Genome position (GRCh38, 1-based): chr13:32,338,374, A>C. VCF-style: chr13-32338374-A-C. GRCh37 (hg19) VCF-style: chr13-32912511-A-C.
Other names: short protein forms D1340A.
Identifiers: ClinVar variation 479352 (VCV000479352.8), dbSNP rs1555283506, ClinGen allele CA387779037.

ClinVar aggregate classification (germline): Conflicting classifications of pathogenicity. Review status: criteria provided, conflicting classifications (1 of 4 stars). 2 submissions from 2 submitters: Uncertain significance (1); Likely benign (1). Last evaluated 2025-04-14.

Conditions:
Hereditary cancer-predisposing syndrome. Also called: Neoplastic Syndromes, Hereditary; Hereditary Cancer Syndrome; Hereditary neoplastic syndrome; Tumor predisposition. Identifiers: Orphanet 140162, MedGen C0027672, MeSH D009386, MONDO:0015356.

Submissions (2):

Ambry Genetics
Classification: Uncertain significance for Hereditary cancer-predisposing syndrome. Last evaluated: 2025-04-14. Review status: criteria provided, single submitter. Criteria: Ambry Variant Classification Scheme 2023. Collection method: clinical testing. Allele origin: germline.
Comment: The p.D1340A variant (also known as c.4019A>C), located in coding exon 10 of the BRCA2 gene, results from an A to C substitution at nucleotide position 4019. The aspartic acid at codon 1340 is replaced by alanine, an amino acid with dissimilar properties. This amino acid position is not well conserved in available vertebrate species. In addition, this alteration is predicted to be tolerated by in silico analysis. Since supporting evidence is limited at this time, the clinical significance of this alteration remains unclear.

University of Washington Department of Laboratory Medicine, University of Washington
Classification: Likely benign for Hereditary cancer-predisposing syndrome. Last evaluated: 2023-03-23. Review status: criteria provided, single submitter. Criteria: Dines et al. (Genet Med. 2020). Collection method: curation. Allele origin: germline.
Comment: Missense variant in a coldspot region where missense variants are very unlikely to be pathogenic (PMID:31911673).

BRCA2 exon 11 coldspot. Reclassification based on statistical prior probability.